The following is an entry in ClinVar:

ClinVar aggregate classification (germline): Uncertain significance (1 of 4 stars; one submission).

Submission:

Women's Health and Genetics/Laboratory Corporation of America, LabCorp
Classification: Uncertain significance. Last evaluated: 2026-05-21. Review status: criteria provided, single submitter. Criteria: LabCorp Variant Classification Summary - May 2015. Collection method: clinical testing. Allele origin: germline.
Comment: Variant summary: The variant involves the duplication of exons 27-28 in the KCNT2 gene. A presumed nomenclature of c.(3211+1_3212-1)_(*2446_?)dup has been designated for the purposes of this classification. The exact breakpoint at the 3' end of this variant is unknown, therefore this duplication may extend downstream of the annotated region of the gene. As it duplicates the termination codon, its effect on the encoded protein is unknown. The frequency of this variant in the general population could not be determined as the technology used for large population databases (ExAC, gnomAD, ESP, 1000G) cannot detect variants of this type. The available data on variant occurrences in the general population are insufficient to allow any conclusion about variant significance. To our knowledge, no occurrence of c.(3211+1_3212-1)_(*2446_?)dup in individuals affected with KCNT2-related conditions and no experimental evidence demonstrating its impact on protein function have been reported. No submitters have cited clinical-significance assessments for this variant to ClinVar. Based on the evidence outlined above, the variant was classified as uncertain significance.

NC_000001.10:g.(?_196194908)_(196205201_196227323)dup

Gene: KCNT2 (potassium sodium-activated channel subfamily T member 2; minus strand). Cytogenetic location: 1q31.3.
Variant type: Duplication.
Identifiers: ClinVar variation 4853719 (VCV004853719.1).